The following is an entry in ClinVar:

ClinVar aggregate classification (germline): Uncertain significance (1 of 4 stars; one submission).

Conditions:
Glycine encephalopathy. Also called: Nonketotic hyperglycinemia; Non-ketotic hyperglycinemia. Identifiers: Orphanet 407, MedGen C0751748, MONDO:0011612, HP:0008288.

Allele frequency attached by ClinVar (database versions not stated): gnomAD exomes below 0.00001; gnomAD 0.00001; TOPMed 0.00002; ESP Exome Variant Server 0.00008.
gnomAD v4.1: 2 of 1,609,956 alleles (0.00012%); highest among the groups gnomAD compares: African/African-American, 0.0027%; no homozygotes.

Submission:

Labcorp Genetics (formerly Invitae), Labcorp
Classification: Uncertain significance for Glycine encephalopathy. Last evaluated: 2024-05-21. Review status: criteria provided, single submitter. Criteria: Invitae Variant Classification Sherloc (09022015). Collection method: clinical testing. Allele origin: germline.
Comment: This sequence change replaces cysteine, which is neutral and slightly polar, with tyrosine, which is neutral and polar, at codon 505 of the GLDC protein (p.Cys505Tyr). This variant is not present in population databases (gnomAD no frequency). This variant has not been reported in the literature in individuals affected with GLDC-related conditions. ClinVar contains an entry for this variant (Variation ID: 2189318). Advanced modeling of protein sequence and biophysical properties (such as structural, functional, and spatial information, amino acid conservation, physicochemical variation, residue mobility, and thermodynamic stability) performed at Invitae indicates that this missense variant is not expected to disrupt GLDC protein function with a negative predictive value of 80%. In summary, the available evidence is currently insufficient to determine the role of this variant in disease. Therefore, it has been classified as a Variant of Uncertain Significance.

NM_000170.3(GLDC):c.1514G>A (p.Cys505Tyr)

Gene: GLDC (glycine decarboxylase; minus strand). Cytogenetic location: 9p24.1.
Variant type: single nucleotide variant.
Coding change: c.1514G>A on transcript NM_000170.3 (MANE Select); coding-DNA position 1514, G replaced by A.
Protein change: p.Cys505Tyr; replaces cysteine 505 with tyrosine.
Molecular consequence: missense variant.
Genome position (GRCh38, 1-based): chr9:6,589,261, C>T on the plus strand (G>A on the coding strand, the complement: GLDC is on the minus strand). VCF-style: chr9-6589261-C-T. GRCh37 (hg19) VCF-style: chr9-6589261-C-T.
Other names: short protein forms C505Y.
Identifiers: ClinVar variation 2189318 (VCV002189318.3), dbSNP rs373917341, ClinGen allele CA188663617.